The following is an entry in ClinVar:

ClinVar aggregate classification (germline): Likely pathogenic (1 of 4 stars; one submission).

Conditions:
Joubert syndrome. Also called: CEREBELLOPARENCHYMAL DISORDER IV; JOUBERT-BOLTSHAUSER SYNDROME; Familial aplasia of the vermis. Identifiers: Orphanet 475, MedGen C5979921, MONDO:0018772.
Meckel-Gruber syndrome. Also called: DYSENCEPHALIA SPLANCHNOCYSTICA; GRUBER SYNDROME; Dysencephalia splachnocystica. Identifiers: Orphanet 564, MedGen C0265215, MONDO:0018921.

Submission:

Labcorp Genetics (formerly Invitae), Labcorp
Classification: Likely pathogenic for Joubert syndrome; Meckel-Gruber syndrome. Last evaluated: 2024-03-08. Review status: criteria provided, single submitter. Criteria: Invitae Variant Classification Sherloc (09022015). Collection method: clinical testing. Allele origin: germline.
Comment: This sequence change replaces proline, which is neutral and non-polar, with leucine, which is neutral and non-polar, at codon 392 of the TMEM67 protein (p.Pro392Leu). This variant is not present in population databases (gnomAD no frequency). This variant has not been reported in the literature in individuals affected with TMEM67-related conditions. Advanced modeling of protein sequence and biophysical properties (such as structural, functional, and spatial information, amino acid conservation, physicochemical variation, residue mobility, and thermodynamic stability) performed at Invitae indicates that this missense variant is expected to disrupt TMEM67 protein function with a positive predictive value of 95%. This variant disrupts the p.Pro392 amino acid residue in TMEM67. Other variant(s) that disrupt this residue have been determined to be pathogenic (PMID: 34675960). This suggests that this residue is clinically significant, and that variants that disrupt this residue are likely to be disease-causing. In summary, the currently available evidence indicates that the variant is pathogenic, but additional data are needed to prove that conclusively. Therefore, this variant has been classified as Likely Pathogenic.

Literature cited by the submitters: PubMed 34675960.

NM_153704.6(TMEM67):c.1175C>T (p.Pro392Leu)

Gene: TMEM67 (transmembrane protein 67; plus strand). Cytogenetic location: 8q22.1.
Variant type: single nucleotide variant.
Coding change: c.1175C>T on transcript NM_153704.6 (MANE Select); coding-DNA position 1175, C replaced by T.
Protein change: p.Pro392Leu; replaces proline 392 with leucine.
Molecular consequence: missense variant. On other transcripts: non-coding transcript variant (1).
Genome position (GRCh38, 1-based): chr8:93,785,265, C>T. VCF-style: chr8-93785265-C-T. GRCh37 (hg19) VCF-style: chr8-94797493-C-T.
Other names: c.932C>T, p.Pro311Leu (NM_001142301.1); short protein forms P311L, P392L.
Identifiers: ClinVar variation 3752525 (VCV003752525.2).